The following is an entry in ClinVar:

ClinVar aggregate classification (germline): Likely benign (1 of 4 stars; one submission).

Conditions:
Chondrodysplasia with joint dislocations, gPAPP type. Also called: GPAPP DEFICIENCY. Identifiers: Orphanet 280586, MedGen C3279757, MONDO:0013561, OMIM 614078.

Allele frequency attached by ClinVar (database versions not stated): gnomAD 0.00024 and 0.00053; TOPMed 0.00029; 1000 Genomes Project 30x 0.00156; 1000 Genomes Project 0.00160.

Submission:

Illumina Laboratory Services, Illumina
Classification: Likely benign for Chondrodysplasia with joint dislocations, gPAPP type. Last evaluated: 2018-01-13. Review status: criteria provided, single submitter. Criteria: ICSL Variant Classification Criteria 13 December 2019. Collection method: clinical testing. Allele origin: germline.
Comment: This variant was observed in the ICSL laboratory as part of a predisposition screen in an ostensibly healthy population. It had not been previously curated by ICSL or reported in the Human Gene Mutation Database (HGMD: prior to June 1st, 2018), and was therefore a candidate for classification through an automated scoring system. Utilizing variant allele frequency, disease prevalence and penetrance estimates, and inheritance mode, an automated score was calculated to assess if this variant is too frequent to cause the disease. Based on the score and internal cut-off values, a variant classified as likely benign is not then subjected to further curation. The score for this variant resulted in a classification of likely benign for this disease.

NM_017813.5(BPNT2):c.*1966A>G

Gene: BPNT2 (3'(2'), 5'-bisphosphate nucleotidase 2; minus strand). Cytogenetic location: 8q12.1.
Variant type: single nucleotide variant.
Coding change: c.*1966A>G on transcript NM_017813.5 (MANE Select); 1966 bases downstream of the stop codon, A replaced by G.
Molecular consequence: 3 prime UTR variant.
Genome position (GRCh38, 1-based): chr8:56,961,827, T>C on the plus strand (A>G on the coding strand, the complement: BPNT2 is on the minus strand). VCF-style: chr8-56961827-T-C. GRCh37 (hg19) VCF-style: chr8-57874386-T-C.
Identifiers: ClinVar variation 909355 (VCV000909355.4), dbSNP rs575526913, ClinGen allele CA177764698.